The following is an entry in ClinVar:

NM_006231.4(POLE):c.5378+5C>T

Gene: POLE (DNA polymerase epsilon, catalytic subunit; minus strand). Cytogenetic location: 12q24.33.
Variant type: single nucleotide variant.
Coding change: c.5378+5C>T on transcript NM_006231.4 (MANE Select); 5 bases into the intron after coding-DNA position 5378, C replaced by T.
Molecular consequence: intron variant.
Genome position (GRCh38, 1-based): chr12:132,641,642, G>A on the plus strand (C>T on the coding strand, the complement: POLE is on the minus strand). VCF-style: chr12-132641642-G-A. GRCh37 (hg19) VCF-style: chr12-133218228-G-A.
Identifiers: ClinVar variation 565907 (VCV000565907.18), dbSNP rs1171630569, ClinGen allele CA608514108.

ClinVar aggregate classification (germline): Uncertain significance. Review status: criteria provided, multiple submitters, no conflicts (2 of 4 stars). 4 submissions from 4 submitters: Uncertain significance (3). 1 of the submissions does not count toward it. Last evaluated 2026-01-19.

Conditions:
POLE-related disorder. Also called: POLE-related disorders; POLE-related condition.
Hereditary cancer-predisposing syndrome. Also called: Hereditary neoplastic syndrome; Neoplastic Syndromes, Hereditary; Hereditary Cancer Syndrome; Tumor predisposition. Identifiers: Orphanet 140162, MedGen C0027672, MeSH D009386, MONDO:0015356.

Allele frequency attached by ClinVar (database versions not stated): gnomAD exomes below 0.00001; TOPMed 0.00002; gnomAD 0.00004.
gnomAD v4.1: 7 of 1,611,682 alleles (0.00043%); highest among the groups gnomAD compares: African/African-American, 0.0093%; no homozygotes.

Submissions (4):

Labcorp Genetics (formerly Invitae), Labcorp
Classification: Uncertain significance. Last evaluated: 2026-01-19. Review status: criteria provided, single submitter. Criteria: Invitae Variant Classification Sherloc (09022015). Collection method: clinical testing. Allele origin: germline.
Comment: This sequence change falls in intron 39 of the POLE gene. It does not directly change the encoded amino acid sequence of the POLE protein. It affects a nucleotide within the consensus splice site. This variant is present in population databases (no rsID available, gnomAD 0.02%). This variant has not been reported in the literature in individuals affected with POLE-related conditions. ClinVar contains an entry for this variant (Variation ID: 565907). Variants that disrupt the consensus splice site are a relatively common cause of aberrant splicing (PMID: 17576681, 9536098). Studies have shown this variant is associated with retention of part of intron 39 , but one or more of the resulting mRNA isoform(s) may be naturally occurring (internal data). In summary, the available evidence is currently insufficient to determine the role of this variant in disease. Therefore, it has been classified as a Variant of Uncertain Significance.

Ambry Genetics
Classification: Uncertain significance for Hereditary cancer-predisposing syndrome. Last evaluated: 2026-01-09. Review status: criteria provided, single submitter. Criteria: Ambry Variant Classification Scheme 2023. Collection method: clinical testing. Allele origin: germline.
Comment: The c.5378+5C>T intronic variant results from a C to T substitution 5 nucleotides after coding exon 39 in the POLE gene. This nucleotide position is not well conserved in available vertebrate species. In silico splice site analysis predicts that this alteration will not have any significant effect on splicing. Based on the available evidence, the clinical significance of this variant remains unclear.

Blueprint Genetics
Classification: Uncertain significance. Last evaluated: 2021-06-26. Review status: criteria provided, single submitter. Criteria: ACMG Guidelines, 2015. Collection method: clinical testing. Allele origin: germline.

PreventionGenetics, part of Exact Sciences
Classification: Likely benign for POLE-related condition. Last evaluated: 2024-07-03. Review status: no assertion criteria provided. Collection method: clinical testing. Allele origin: germline. Not counted in ClinVar's aggregate classification.
Comment: This variant is classified as likely benign based on ACMG/AMP sequence variant interpretation guidelines (Richards et al. 2015 PMID: 25741868, with internal and published modifications).

Literature cited by the submitters: PubMed 17576681 (cited by Labcorp Genetics (formerly Invitae), Labcorp); PubMed 9536098 (cited by Labcorp Genetics (formerly Invitae), Labcorp).